The following is an entry in ClinVar:

ClinVar aggregate classification (germline): Pathogenic (1 of 4 stars; one submission).

Conditions:
Hereditary breast ovarian cancer syndrome. Also called: Hereditary breast and ovarian cancer syndrome; Hereditary breast and/or ovarian cancer syndrome; Hereditary breast and ovarian cancer syndrome (HBOC); Breast and ovarian cancer; BRCA1- and BRCA2-Associated Hereditary Breast and Ovarian Cancer; Hereditary breast and ovarian cancer. Identifiers: Orphanet 145, MedGen C0677776, MeSH D061325, MONDO:0003582. Disease mechanism: loss of function.

Submission:

Labcorp Genetics (formerly Invitae), Labcorp
Classification: Pathogenic for Hereditary breast ovarian cancer syndrome. Last evaluated: 2023-10-23. Review status: criteria provided, single submitter. Criteria: Invitae Variant Classification Sherloc (09022015). Collection method: clinical testing. Allele origin: germline.
Comment: This variant is a gross deletion of the genomic region encompassing exon(s) 3 of the BRCA2 gene. This variant would be expected to be in-frame, preserving the integrity of the reading frame. A similar copy number variant has been observed in individual(s) with breast cancer and/or ovarian cancer (PMID: 9537232, 21939546, 24522996). It has also been observed to segregate with disease in related individuals. This variant disrupts the p.Trp31Arg amino acid residue in BRCA2. Other variant(s) that disrupt this residue have been determined to be pathogenic (Invitae). This suggests that this residue is clinically significant, and that variants that disrupt this residue are likely to be disease-causing. For these reasons, this variant has been classified as Pathogenic.

Literature cited by the submitters: PubMed 9537232; PubMed 21939546; PubMed 24522996.

NC_000013.11:g.(?_32319057)_(32319345_?)del

Gene: BRCA2 (BRCA2 DNA repair associated; plus strand). Cytogenetic location: 13q13.1.
Variant type: Deletion.
Identifiers: ClinVar variation 583505 (VCV000583505.10).